The following is an entry in ClinVar:

NM_000179.3(MSH6):c.1957G>T (p.Val653Leu)

Gene: MSH6 (mutS homolog 6; plus strand). Cytogenetic location: 2p16.3.
Variant type: single nucleotide variant.
Coding change: c.1957G>T on transcript NM_000179.3 (MANE Select); coding-DNA position 1957, G replaced by T.
Protein change: p.Val653Leu; replaces valine 653 with leucine.
Molecular consequence: missense variant.
Genome position (GRCh38, 1-based): chr2:47,799,940, G>T. VCF-style: chr2-47799940-G-T. GRCh37 (hg19) VCF-style: chr2-48027079-G-T.
Other names: c.1567G>T, p.Val523Leu (NM_001281492.2); c.1051G>T, p.Val351Leu (NM_001281493.2, NM_001281494.2); short protein forms V653L, V351L, V523L.
Identifiers: ClinVar variation 965508 (VCV000965508.11), dbSNP rs768095444, ClinGen allele CA46710015.

ClinVar aggregate classification (germline): Uncertain significance. Review status: criteria provided, multiple submitters, no conflicts (2 of 4 stars). 2 submissions from 2 submitters: Uncertain significance (2). Last evaluated 2026-06-02.

Conditions:
Hereditary nonpolyposis colorectal neoplasms. Identifiers: MedGen C0009405, MeSH D003123.
Hereditary cancer-predisposing syndrome. Also called: Hereditary Cancer Syndrome; Neoplastic Syndromes, Hereditary; Tumor predisposition; Hereditary neoplastic syndrome. Identifiers: Orphanet 140162, MedGen C0027672, MeSH D009386, MONDO:0015356.

Allele frequency attached by ClinVar (database versions not stated): TOPMed below 0.00001.

Submissions (2):

Ambry Genetics
Classification: Uncertain significance for Hereditary cancer-predisposing syndrome. Last evaluated: 2026-06-02. Review status: criteria provided, single submitter. Criteria: Ambry Variant Classification Scheme 2023. Collection method: clinical testing. Allele origin: germline.
Comment: The p.V653L variant (also known as c.1957G>T), located in coding exon 4 of the MSH6 gene, results from a G to T substitution at nucleotide position 1957. The valine at codon 653 is replaced by leucine, an amino acid with highly similar properties. This amino acid position is conserved. In addition, this alteration is predicted to be tolerated by in silico analysis. Based on the available evidence, the clinical significance of this variant remains unclear.

Labcorp Genetics (formerly Invitae), Labcorp
Classification: Uncertain significance for Hereditary nonpolyposis colorectal neoplasms. Last evaluated: 2023-04-15. Review status: criteria provided, single submitter. Criteria: Invitae Variant Classification Sherloc (09022015). Collection method: clinical testing. Allele origin: germline.
Comment: This variant is not present in population databases (gnomAD no frequency). This variant has not been reported in the literature in individuals affected with MSH6-related conditions. ClinVar contains an entry for this variant (Variation ID: 965508). Advanced modeling of protein sequence and biophysical properties (such as structural, functional, and spatial information, amino acid conservation, physicochemical variation, residue mobility, and thermodynamic stability) performed at Invitae indicates that this missense variant is not expected to disrupt MSH6 protein function. In summary, the available evidence is currently insufficient to determine the role of this variant in disease. Therefore, it has been classified as a Variant of Uncertain Significance. This sequence change replaces valine, which is neutral and non-polar, with leucine, which is neutral and non-polar, at codon 653 of the MSH6 protein (p.Val653Leu).